The following is an entry in ClinVar:

NM_001374385.1(ATP8B1):c.279+1_279+3del

Gene: ATP8B1 (ATPase phospholipid transporting 8B1; minus strand). Cytogenetic location: 18q21.31.
Variant type: Deletion.
Coding change: c.279+1_279+3del on transcript NM_001374385.1 (MANE Select); the canonical splice donor site of the intron after coding-DNA position 279 through 3 bases into the intron after coding-DNA position 279, 3 bases deleted (GTG; older notation c.279+1_279+3delGTG).
Molecular consequence: splice donor variant. On other transcripts: intron variant (1).
Genome position (GRCh38, 1-based): chr18:57,706,487-57,706,489, CAC deleted on the plus strand (GTG on the coding strand, the reverse complement: ATP8B1 is on the minus strand); deleting any 3 consecutive bases within chr18:57,706,487-57,706,490 gives the same sequence; the c. name uses the placement nearest the transcript's 3' end. VCF-style (leftmost placement, unchanged base first): chr18-57706486-TCAC-T. GRCh37 (hg19) VCF-style: chr18-55373718-TCAC-T.
Other names: c.279+1_279+3del (NM_005603.6); c.130-1821_130-1819del (NM_001374386.1).
Identifiers: ClinVar variation 4846356 (VCV004846356.1).

ClinVar aggregate classification (germline): Pathogenic (1 of 4 stars; one submission).

Conditions:
Familial intrahepatic cholestasis. Identifiers: Orphanet 284385, MedGen CN296401, MONDO:0017290.

Submission:

Genomenon, Inc
Classification: Pathogenic for Familial intrahepatic cholestasis. Last evaluated: 2026-04-14. Review status: criteria provided, single submitter. Criteria: Genomenon Sequence Variant Interpretation Standards - Updated. Collection method: curation. Allele origin: germline. Affected: yes.
Comment: ATP8B1 c.279+1_279+3del is a deletion variant that affects the donor splice site of intron 3. This variant has been observed in at least one proband with features of ATP8B1-deficiency (PMID:15239083). At least one splicing study demonstrated this variant results in aberrant splicing (PMID:25421123). It is absent or not present at a significant frequency in gnomAD. In conclusion, we classify ATP8B1 c.279+1_279+3del as a pathogenic variant.

Literature cited by the submitters: PubMed 15239083; PubMed 25421123.